The following is an entry in ClinVar:

NM_139058.3(ARX):c.1641_1649dup (p.Leu549_Asn550insLysGlnLeu)

Gene: ARX (aristaless related homeobox; minus strand). Cytogenetic location: Xp21.3.
Variant type: Duplication.
Coding change: c.1641_1649dup on transcript NM_139058.3 (MANE Select); coding-DNA positions 1641 to 1649, 9 bases duplicated (GCAGCTCAA; older notation c.1641_1649dupGCAGCTCAA).
Protein change: p.Leu549_Asn550insLysGlnLeu.
Molecular consequence: inframe insertion.
Genome position (GRCh38, 1-based): chrX:25,004,710-25,004,718, TTGAGCTGC duplicated on the plus strand (GCAGCTCAA on the coding strand, the reverse complement: ARX is on the minus strand). VCF-style (leftmost placement, unchanged base first): chrX-25004709-G-GTTGAGCTGC. GRCh37 (hg19) VCF-style: chrX-25022826-G-GTTGAGCTGC.
Identifiers: ClinVar variation 5004750 (VCV005004750.1).

ClinVar aggregate classification (germline): Uncertain significance (1 of 4 stars; one submission).

Conditions:
Intellectual disability, X-linked, with or without seizures, ARX-related. Also called: MENTAL RETARDATION, X-LINKED 29; MENTAL RETARDATION, X-LINKED 32; MENTAL RETARDATION, X-LINKED 33; MENTAL RETARDATION, X-LINKED 38; MENTAL RETARDATION, X-LINKED 43; MENTAL RETARDATION, X-LINKED 76. Identifiers: Orphanet 777, MedGen C0796244, MONDO:0010317, OMIM 300419.

Submission:

Myriad Genetics, Inc.
Classification: Uncertain significance for Intellectual disability, X-linked, with or without seizures, ARX-related. Last evaluated: 2026-06-23. Review status: criteria provided, single submitter. Criteria: Myriad Autosomal Dominant, Autosomal Recessive and X-Linked Classification Criteria (2023). Collection method: clinical testing. Allele origin: unknown.
Comment: NM_139058.2(ARX):c.1641_1649dup9(L549_N550insKQL) is an in-frame insertion classified as a variant of uncertain significance in the context of ARX-related disorders. L549_N550insKQL has not been observed in cases with relevant disease. Relevant functional assessments of this variant are not available in the literature. L549_N550insKQL has not been observed in referenced population frequency databases. In summary, there is insufficient evidence to classify NM_139058.2(ARX):c.1641_1649dup9(L549_N550insKQL) as pathogenic or benign. Please note: this variant was assessed in the context of healthy population screening.